The following is an entry in ClinVar:

ClinVar aggregate classification (germline): Likely benign (1 of 4 stars; one submission).

Submission:

CeGaT Center for Human Genetics Tuebingen
Classification: Likely benign. Last evaluated: 2025-06-01. Review status: criteria provided, single submitter. Criteria: CeGaT Center For Human Genetics Tuebingen Variant Classification Criteria Version 2. Collection method: clinical testing. Allele origin: germline. Affected: yes. Observed: 1 variant allele.
Comment: UBC: BP4, BP7

NM_021009.7(UBC):c.1875G>C (p.Val625=)

Gene: UBC (ubiquitin C; minus strand). Cytogenetic location: 12q24.31.
Variant type: single nucleotide variant.
Coding change: c.1875G>C on transcript NM_021009.7 (MANE Select); coding-DNA position 1875, G replaced by C.
Protein change: p.Val625=; no amino-acid change (valine 625 retained).
Molecular consequence: synonymous variant.
Genome position (GRCh38, 1-based): chr12:124,911,897, C>G on the plus strand (G>C on the coding strand, the complement: UBC is on the minus strand). VCF-style: chr12-124911897-C-G. GRCh37 (hg19) VCF-style: chr12-125396443-C-G.
Identifiers: ClinVar variation 4085314 (VCV004085314.8).